The following is an entry in ClinVar:

NM_015570.4(AUTS2):c.661-145365T>A

Gene: AUTS2 (activator of transcription and developmental regulator AUTS2; plus strand). Cytogenetic location: 7q11.22.
Variant type: single nucleotide variant.
Coding change: c.661-145365T>A on transcript NM_015570.4 (MANE Select); 145365 bases into the intron before coding-DNA position 661, T replaced by A.
Molecular consequence: intron variant. On other transcripts: missense variant (1).
Genome position (GRCh38, 1-based): chr7:70,290,387, T>A. VCF-style: chr7-70290387-T-A. GRCh37 (hg19) VCF-style: chr7-69755373-T-A.
Other names: c.680T>A, p.Leu227His (NM_001127232.3); c.661-145365T>A (NM_001127231.3); short protein forms L227H.
Identifiers: ClinVar variation 3389101 (VCV003389101.14).

ClinVar aggregate classification (germline): Likely benign (1 of 4 stars; one submission).

gnomAD v4.1: 96 of 1,514,370 alleles (0.0063%); highest among the groups gnomAD compares: African/African-American, 0.0085%; no homozygotes.

Submission:

CeGaT Center for Human Genetics Tuebingen
Classification: Likely benign. Last evaluated: 2024-11-01. Review status: criteria provided, single submitter. Criteria: CeGaT Center For Human Genetics Tuebingen Variant Classification Criteria Version 2. Collection method: clinical testing. Allele origin: germline. Affected: yes. Observed: 1 variant allele.
Comment: AUTS2: BP4